The following is an entry in ClinVar:

NM_020975.6(RET):c.2731-17T>C

Gene: RET (ret proto-oncogene; plus strand). Cytogenetic location: 10q11.21.
Variant type: single nucleotide variant.
Coding change: c.2731-17T>C on transcript NM_020975.6 (MANE Select); 17 bases into the intron before coding-DNA position 2731, T replaced by C.
Molecular consequence: intron variant.
Genome position (GRCh38, 1-based): chr10:43,121,929, T>C. VCF-style: chr10-43121929-T-C. GRCh37 (hg19) VCF-style: chr10-43617377-T-C.
Other names: c.2731-17T>C (NM_020630.7, NM_001406743.1, NM_001406744.1 and 2 more transcripts); c.2596-17T>C (NM_001406765.1, NM_001406763.1); c.2335-17T>C (NM_001406772.1, NM_001406769.1); c.2293-17T>C (NM_001406773.1, NM_001406771.1); c.1834-17T>C (NM_001406782.1, NM_001406780.1, NM_001406779.1 and 1 more transcripts); c.1699-17T>C (NM_001406787.1); c.1714-17T>C (NM_001406785.1); c.2602-17T>C (NM_001406764.1, NM_001406762.1, NM_001406761.1); and 10 more.
Identifiers: ClinVar variation 3904614 (VCV003904614.1).

ClinVar aggregate classification (germline): Likely benign (1 of 4 stars; one submission).

Conditions:
Multiple endocrine neoplasia type 2A. Also called: Multiple Endocrine Neoplasia Type 2A (MEN2A); MULTIPLE ENDOCRINE NEOPLASIA, TYPE IIA; PTC SYNDROME; SIPPLE SYNDROME; MEN 2A; MEN-2A syndrome. Identifiers: Orphanet 247698, Orphanet 653, MedGen C0025268, MeSH D018813, MONDO:0008234, OMIM 171400.

Submission:

Myriad Genetics, Inc.
Classification: Likely benign for Multiple endocrine neoplasia type 2A. Last evaluated: 2025-02-27. Review status: criteria provided, single submitter. Criteria: Myriad Autosomal Dominant, Autosomal Recessive and X-Linked Classification Criteria (2023). Collection method: clinical testing. Allele origin: unknown.
Comment: This variant is considered likely benign. This variant is intronic and is not expected to impact mRNA splicing.